The following is an entry in ClinVar:

NM_024757.5(EHMT1):c.2356G>A (p.Val786Met)

Gene: EHMT1 (euchromatic histone lysine methyltransferase 1; plus strand). Cytogenetic location: 9q34.3.
Variant type: single nucleotide variant.
Coding change: c.2356G>A on transcript NM_024757.5 (MANE Select); coding-DNA position 2356, G replaced by A.
Protein change: p.Val786Met; replaces valine 786 with methionine.
Molecular consequence: missense variant.
Genome position (GRCh38, 1-based): chr9:137,782,371, G>A. VCF-style: chr9-137782371-G-A. GRCh37 (hg19) VCF-style: chr9-140676823-G-A.
Other names: c.2356G>A, p.Val786Met (NM_001145527.2); c.2263G>A, p.Val755Met (NM_001354259.2); c.2335G>A, p.Val779Met (NM_001354263.2); short protein forms V779M, V755M, V786M.
Identifiers: ClinVar variation 1046416 (VCV001046416.11), dbSNP rs398124405, ClinGen allele CA5374900.

ClinVar aggregate classification (germline): Conflicting classifications of pathogenicity. Review status: criteria provided, conflicting classifications (1 of 4 stars). 2 submissions from 2 submitters: Uncertain significance (1); Likely benign (1). Last evaluated 2025-12-13.

Conditions:
Kleefstra syndrome 1 (KLEFS1). Identifiers: Orphanet 261494, MedGen C0795833, MONDO:0027407, OMIM 610253.
Inborn genetic diseases. Identifiers: MedGen C0950123, MeSH D030342.

Allele frequency attached by ClinVar (database versions not stated): ExAC 0.00001; gnomAD 0.00005 and 0.00006; TOPMed 0.00002.
gnomAD v4.1: 19 of 1,611,436 alleles (0.0012%); highest among the groups gnomAD compares: African/African-American, 0.013%; no homozygotes.

Submissions (2):

Labcorp Genetics (formerly Invitae), Labcorp
Classification: Likely benign for Kleefstra syndrome 1. Last evaluated: 2025-12-13. Review status: criteria provided, single submitter. Criteria: Invitae Variant Classification Sherloc (09022015). Collection method: clinical testing. Allele origin: germline.

Ambry Genetics
Classification: Uncertain significance for Inborn genetic diseases. Last evaluated: 2017-09-06. Review status: criteria provided, single submitter. Criteria: Ambry Variant Classification Scheme 2023. Collection method: clinical testing. Allele origin: germline.
Comment: The p.V786M variant (also known as c.2356G>A), located in coding exon 15 of the EHMT1 gene, results from a G to A substitution at nucleotide position 2356. The valine at codon 786 is replaced by methionine, an amino acid with highly similar properties. This amino acid position is not well conserved in available vertebrate species. In addition, this alteration is predicted to be tolerated by in silico analysis. Since supporting evidence is limited at this time, the clinical significance of this alteration remains unclear.